The following is an entry in ClinVar:

Conditions:
Breast-ovarian cancer, familial, susceptibility to, 1 (BROVCA1). Also called: BRCA1 Hereditary Breast and Ovarian Cancer; OVARIAN CANCER, SUSCEPTIBILITY TO. Identifiers: Orphanet 145, MedGen C2676676, MONDO:0011450, OMIM 604370. Disease mechanism: loss of function.

Submission:

Brotman Baty Institute, University of Washington
No classification provided (evidence only). Condition: Breast-ovarian cancer, familial 1. Review status: no classification provided. Collection method: in vitro. Allele origin: not applicable. Functional consequence: functionally_normal.
ClinVar note: "not provided" was previously submitted as the classification for the variant. However, the classification appeared to be based only on an observation of functional data so it was converted to no classification on 2025-07-30.

NM_007294.4(BRCA1):c.57G>C (p.Gln19His)

Gene: BRCA1 (BRCA1 DNA repair associated; minus strand). Cytogenetic location: 17q21.31.
Variant type: single nucleotide variant.
Coding change: c.57G>C on transcript NM_007294.4 (MANE Select); coding-DNA position 57, G replaced by C.
Protein change: p.Gln19His; replaces glutamine 19 with histidine.
Molecular consequence: missense variant. On other transcripts: 5 prime UTR variant (1), non-coding transcript variant (1).
Genome position (GRCh38, 1-based): chr17:43,124,040, C>G on the plus strand (G>C on the coding strand, the complement: BRCA1 is on the minus strand). VCF-style: chr17-43124040-C-G. GRCh37 (hg19) VCF-style: chr17-41276057-C-G.
Other names: c.57G>C, p.Gln19His (NM_001408423.1, NM_001408424.1, NM_001408425.1 and 193 more transcripts); c.-204G>C (NM_001408452.1, NM_001408462.1, NM_001408463.1 and 22 more transcripts); c.-31G>C (NM_001408454.1, NM_001408459.1, NM_001408460.1 and 23 more transcripts); c.-201G>C (NM_001408455.1, NM_001408456.1, NM_001408468.1 and 11 more transcripts); c.-205G>C (NM_001408465.1, NM_001407695.1); c.-132G>C (NM_001408478.1, NM_001408479.1, NM_001408480.1 and 46 more transcripts); c.-277G>C (NM_001408482.1); c.-248G>C (NM_001408492.1, NM_001407889.1); and 8 more; short protein forms Q19H.
Identifiers: ClinVar variation 868740 (VCV000868740.3), dbSNP rs2055725365, ClinGen allele CA10602043.
Genomic context (GRCh38, chr17:43,124,040, plus strand): 5'-AGGAATCCCAAATTAATACACTCTTGTGCTGACTTACCAGATGGGACACTCTAAGATTTT[C>G]TGCATAGCATTAATGACATTTTGTACTTCTTCAACGCGAAGAGCAGATAAATCCATTTCT-3'
Protein context (NP_009225.1, residues 9-29): EEVQNVINAM[Gln19His]KILECPICLE